The following is an entry in ClinVar:

NM_001875.5(CPS1):c.*829T>C

Gene: CPS1 (carbamoyl-phosphate synthase 1; plus strand). Cytogenetic location: 2q34.
Variant type: single nucleotide variant.
Coding change: c.*829T>C on transcript NM_001875.5 (MANE Select); 829 bases downstream of the stop codon, T replaced by C.
Molecular consequence: 3 prime UTR variant. On other transcripts: non-coding transcript variant (2).
Genome position (GRCh38, 1-based): chr2:210,678,814, T>C. VCF-style: chr2-210678814-T-C. GRCh37 (hg19) VCF-style: chr2-211543538-T-C.
Other names: c.*829T>C (NM_001122633.3, NM_001369256.1, NM_001369257.1).
Identifiers: ClinVar variation 894808 (VCV000894808.4), dbSNP rs79296773, ClinGen allele CA64748997.

ClinVar aggregate classification (germline): Benign (1 of 4 stars; one submission).

Conditions:
Congenital hyperammonemia, type I. Also called: Carbamoyl phosphate synthetase I deficiency disease; CPS I DEFICIENCY; Carbamoyl phosphate synthetase 1 deficiency; Hyperammonemia due to carbamoyl phosphate synthetase 1 deficiency; CPS 1 deficiency; Carbamyl phosphate synthetase (CPS) deficiency. Identifiers: Orphanet 147, MedGen C4082171, MONDO:0009376, OMIM 237300.

Allele frequency attached by ClinVar (database versions not stated): 1000 Genomes Project 30x 0.01202; 1000 Genomes Project 0.01218; TOPMed 0.02343; gnomAD 0.02754 and 0.02814.

Submission:

Illumina Laboratory Services, Illumina
Classification: Benign for Congenital hyperammonemia, type I. Last evaluated: 2018-01-13. Review status: criteria provided, single submitter. Criteria: ICSL Variant Classification Criteria 13 December 2019. Collection method: clinical testing. Allele origin: germline.
Comment: This variant was observed in the ICSL laboratory as part of a predisposition screen in an ostensibly healthy population. It had not been previously curated by ICSL or reported in the Human Gene Mutation Database (HGMD: prior to June 1st, 2018), and was therefore a candidate for classification through an automated scoring system. Utilizing variant allele frequency, disease prevalence and penetrance estimates, and inheritance mode, an automated score was calculated to assess if this variant is too frequent to cause the disease. Based on the score and internal cut-off values, a variant classified as benign is not then subjected to further curation. The score for this variant resulted in a classification of benign for this disease.